The following is an entry in ClinVar:

NM_000536.4(RAG2):c.283G>A (p.Gly95Arg)

Gene: RAG2 (recombination activating 2; minus strand). Cytogenetic location: 11p12.
Variant type: single nucleotide variant.
Coding change: c.283G>A on transcript NM_000536.4 (MANE Select); coding-DNA position 283, G replaced by A.
Protein change: p.Gly95Arg; replaces glycine 95 with arginine.
Molecular consequence: missense variant.
Genome position (GRCh38, 1-based): chr11:36,593,886, C>T on the plus strand (G>A on the coding strand, the complement: RAG2 is on the minus strand). VCF-style: chr11-36593886-C-T. GRCh37 (hg19) VCF-style: chr11-36615436-C-T.
Other names: NM_000536.4(RAG2):c.283G>A; p.Gly95Arg; c.283G>A, p.Gly95Arg (NM_001243785.2, NM_001243786.2); short protein forms G95R.
Identifiers: ClinVar variation 13133 (VCV000013133.22), dbSNP rs36001797, ClinGen allele CA122861.

ClinVar aggregate classification (germline): Likely pathogenic. Review status: reviewed by expert panel (3 of 4 stars). 8 submissions from 8 submitters: Likely pathogenic (1). 7 of the submissions do not count toward it. Last evaluated 2023-11-14.

Conditions:
Recombinase activating gene 2 deficiency. Also called: RAG2 deficiency. Identifiers: MedGen CN257931, MONDO:0000573.
Histiocytic medullary reticulosis. Also called: SEVERE COMBINED IMMUNODEFICIENCY WITH HYPEREOSINOPHILIA; Omenn syndrome. Identifiers: Orphanet 39041, MedGen C2700553, MONDO:0011338, OMIM 603554.
Combined immunodeficiency with skin granulomas. Identifiers: Orphanet 157949, MedGen C2673536, MONDO:0009306, OMIM 233650.
Severe combined immunodeficiency, autosomal recessive, T cell-negative, B cell-negative, NK cell-positive. Also called: Severe combined immunodeficiency due to complete RAG1/2 deficiency; SCID, AR, T-cell negative, B-cell negative, NK cell-positive; SCID, T CELL-NEGATIVE, B CELL-NEGATIVE, NK CELL-POSITIVE. Identifiers: Orphanet 331206, MedGen C1832322, MONDO:0011086, OMIM 601457.

Allele frequency attached by ClinVar (database versions not stated): gnomAD exomes 0.00001 and 0.00003; ExAC 0.00002; TOPMed 0.00001.

Submissions (8):

ClinGen Severe Combined Immunodeficiency Variant Curation Expert Panel, ClinGen
Classification: Likely pathogenic for Recombinase activating gene 2 deficiency. Last evaluated: 2023-11-14. Review status: reviewed by expert panel. Criteria: ClinGen SCID ACMG Specifications RAG2 V1.0.0. Collection method: curation. Allele origin: germline. Inheritance: Autosomal recessive inheritance.
Comment: The NM_000536.4:c.283G>A variant in RAG2 is a missense variant predicted to cause substitution of glycine by arginine at amino acid 95 (p.Gly94Arg). This variant has a population max filtering allele frequency of 0.000007010, which is below the threshold for PM2_Supporting set by the ClinGen SCID VCEP for RAG2 (<0.0000588). This variant is located in the core domain (amino acids 1-383) of RAG2, which is defined as a mutational hotspot/critical functional domain by the ClinGen SCID VCEP (PMID: 26996199) (PM1_Supporting). In experimental studies, this variant demonstrates a mean recombination activity that is 0.3% of wildtype, which is below the threshold outlined by the ClinGen SCID VCEP (< 25% of wildtype activity) for PS3_Moderate. This variant has been reported in several individuals with severe combined immunodeficiency or Omenn syndrome. Two unrelated individuals are homozygous for this variant (PMID: 33599911, 30307608) (0.5p + 0.5p). Three individuals carry this variant along with a second co-occurring RAG2 variant (p.Trp453Arg (phase unknown, 0.25p), p.Glu480* (phase unknown, 0p), p.Arg229Trp (confirmed in trans, 0p)) (PMID: 10891502, 31838659, 15025726). (0.5p + 0.5p +0.25p = 1.25p, PS3). The p.Trp453Arg variant has been classified as Likely Pathogenic, whereas the p.Glu480* and p.Arg229Trp variants have not yet been classified by the ClinGen SCID VCEP. At least one of these reported patients meets PP4 criteria established by the ClinGen SCID VCEP: T-B-NK+ lymphocyte subset profile (0.5p), meets clinical diagnostic criteria for SCID (0.5p), testing via large SCID panel or exome sequencing (0.5p): 1.5p (PMID: 33599911). In summary, this variant meets the criteria to be classified as Likely Pathogenic for autosomal recessive SCID based on the ACMG criteria applied: PM1_Supporting, PM2_Supporting, PS3_Moderate, PP4, and PM3 as specified by the ClinGen SCID VCEP (VCEP specifications version 1).

GeneDx
Classification: Pathogenic. Last evaluated: 2026-09-16. Review status: criteria provided, single submitter. Criteria: GeneDx Variant Classification Process June 2021. Collection method: clinical testing. Allele origin: germline. Not counted in ClinVar's aggregate classification.
Comment: Published functional studies demonstrate a damaging effect as G95R almost abolishes recombination activity as compared to the wild-type (PMID: 29772310); In silico analysis supports that this missense variant has a deleterious effect on protein structure/function; This variant is associated with the following publications: (PMID: 30307608, 31589614, 32135276, 31838659, 33599911, 10891502, 26186701, 29772310, 26996199, 27825771, 35482138, 15025726)

Labcorp Genetics (formerly Invitae), Labcorp
Classification: Pathogenic for Combined immunodeficiency with skin granulomas; Severe combined immunodeficiency, autosomal recessive, T cell-negative, B cell-negative, NK cell-positive. Last evaluated: 2026-01-28. Review status: criteria provided, single submitter. Criteria: Invitae Variant Classification Sherloc (09022015). Collection method: clinical testing. Allele origin: germline. Not counted in ClinVar's aggregate classification.
Comment: This sequence change replaces glycine, which is neutral and non-polar, with arginine, which is basic and polar, at codon 95 of the RAG2 protein (p.Gly95Arg). This variant is present in population databases (rs36001797, gnomAD 0.05%). This missense change has been observed in individual(s) with Omenn’s syndrome and primary immunodeficiency (PMID: 10891502, 15025726, 26186701). In at least one individual the data is consistent with being in trans (on the opposite chromosome) from a pathogenic variant. ClinVar contains an entry for this variant (Variation ID: 13133). Invitae Evidence Modeling of protein sequence and biophysical properties (such as structural, functional, and spatial information, amino acid conservation, physicochemical variation, residue mobility, and thermodynamic stability) indicates that this missense variant is expected to disrupt RAG2 protein function with a positive predictive value of 95%. Experimental studies have shown that this missense change affects RAG2 function (PMID: 10891502). For these reasons, this variant has been classified as Pathogenic.

Natera, Inc.
Classification: Likely pathogenic for Omenn syndrome. Last evaluated: 2026-01-12. Review status: criteria provided, single submitter. Criteria: Natera Variant Classification Schema (03/2026). Collection method: clinical testing. Allele origin: germline. Not counted in ClinVar's aggregate classification.
Comment: The c.283G>A variant in RAG2 is a missense variant predicted to cause substitution of glycine to arginine at amino acid 95. This variant is rare in the general population with a frequency below the threshold expected for the associated phenotype(s). This variant has been observed in one or more individuals affected with the associated recessive disease, as either homozygous or compound heterozygous with a second variant (PMID: 31838659, 33599911, 10891502). Functional studies show that this variant may disrupt protein function (PMID: 10891502, 29772310). Computational prediction algorithms indicate this variant is likely to affect gene or protein function. Given the available evidence, this variant is classified as Likely Pathogenic.

Baylor Genetics
Classification: Pathogenic for Combined immunodeficiency with skin granulomas. Last evaluated: 2024-03-14. Review status: criteria provided, single submitter. Criteria: ACMG Guidelines, 2015. Collection method: clinical testing. Allele origin: unknown. Not counted in ClinVar's aggregate classification.

Women's Health and Genetics/Laboratory Corporation of America, LabCorp
Classification: Pathogenic for Histiocytic medullary reticulosis. Last evaluated: 2019-03-11. Review status: criteria provided, single submitter. Criteria: LabCorp Variant Classification Summary - May 2015. Collection method: clinical testing. Allele origin: germline. Not counted in ClinVar's aggregate classification.
Comment: Variant summary: RAG2 c.283G>A (p.Gly95Arg) results in a non-conservative amino acid change located in the kelch motif in the enzymatically active core (Geier_2015) of the encoded protein sequence. Five of five in-silico tools predict a damaging effect of the variant on protein function. The variant allele was found at a frequency of 3.7e-05 in 246230 control chromosomes (gnomAD). c.283G>A has been reported in the literature in multiple individuals affected with Severe Combined Immunodeficiency Syndrome/Omenn Syndrome (Gomez_2000, Tabori_2004, Galal_2018, Geier_2015, Tirosh_2019). These data indicate that the variant is very likely to be associated with disease. A functional study, Gomez_2000, found the variant to impair the ability to mediate the initial nucleolytic steps of the V(D)J recombination reaction, while Tirosh_2019 found the variant to almost completely abolish recombinase activity. A ClinVar submission from a clinical diagnostic laboratory (evaluation after 2014) cites the variant as likely pathogenic. Based on the evidence outlined above, the variant was classified as pathogenic.

Counsyl
Classification: Likely pathogenic for Severe combined immunodeficiency, autosomal recessive, T cell-negative, B cell-negative, NK cell-positive; Histiocytic medullary reticulosis; Combined immunodeficiency with skin granulomas. Last evaluated: 2017-12-01. Review status: no assertion criteria provided. Collection method: clinical testing. Allele origin: unknown. Not counted in ClinVar's aggregate classification.

OMIM
Classification: Pathogenic for OMENN SYNDROME. Last evaluated: 2000-08-01. Review status: no assertion criteria provided. Collection method: literature only. Allele origin: germline. Not counted in ClinVar's aggregate classification.

Literature cited by the submitters: PubMed 10891502 (cited by 4 submitters); PubMed 15025726 (cited by Labcorp Genetics (formerly Invitae), Labcorp and Counsyl); PubMed 26186701 (cited by 3 submitters); PubMed 31838659 (cited by Natera, Inc.); PubMed 33599911 (cited by Natera, Inc.); PubMed 29772310 (cited by Natera, Inc.); PubMed 11138625 (cited by Women's Health and Genetics/Laboratory Corporation of America, LabCorp); PubMed 30305145 (cited by Women's Health and Genetics/Laboratory Corporation of America, LabCorp); PubMed 30307608 (cited by Women's Health and Genetics/Laboratory Corporation of America, LabCorp); PubMed 25707801 (cited by Counsyl).